The following is an entry in ClinVar:

NM_144643.4(SCLT1):c.1830-5A>G

Gene: SCLT1 (sodium channel and clathrin linker 1; minus strand). Cytogenetic location: 4q28.2.
Variant type: single nucleotide variant.
Coding change: c.1830-5A>G on transcript NM_144643.4 (MANE Select); 5 bases into the intron before coding-DNA position 1830, A replaced by G.
Molecular consequence: intron variant.
Genome position (GRCh38, 1-based): chr4:128,891,142, T>C on the plus strand (A>G on the coding strand, the complement: SCLT1 is on the minus strand). VCF-style: chr4-128891142-T-C. GRCh37 (hg19) VCF-style: chr4-129812297-T-C.
Other names: p.?.
Identifiers: ClinVar variation 713147 (VCV000713147.14), dbSNP rs58335620, ClinGen allele CA3079502.

ClinVar aggregate classification (germline): Benign. Review status: criteria provided, multiple submitters, no conflicts (2 of 4 stars). 3 submissions from 3 submitters: Benign (2). 1 of the submissions does not count toward it. Last evaluated 2026-02-01.

Conditions:
SCLT1-related disorder. Also called: SCLT1-related condition.

Allele frequency attached by ClinVar (database versions not stated): ExAC 0.00320; gnomAD 0.00998 and 0.01066; 1000 Genomes Project 0.01098; TOPMed 0.01108; ESP Exome Variant Server 0.01123; 1000 Genomes Project 30x 0.01234.
gnomAD v4.1: 2,892 of 1,604,540 alleles (0.18%); highest among the groups gnomAD compares: African/African-American, 3.5%; 44 homozygotes.

Submissions (3):

Labcorp Genetics (formerly Invitae), Labcorp
Classification: Benign. Last evaluated: 2026-02-01. Review status: criteria provided, single submitter. Criteria: Invitae Variant Classification Sherloc (09022015). Collection method: clinical testing. Allele origin: germline.

Mayo Clinic Laboratories, Mayo Clinic
Classification: Benign. Last evaluated: 2024-12-13. Review status: criteria provided, single submitter. Criteria: ACMG Guidelines, 2015. Collection method: clinical testing. Allele origin: germline. Observed: 1 variant allele.
Comment: BA1, BS2, BP4, BP7

PreventionGenetics, part of Exact Sciences
Classification: Benign for SCLT1-related condition. Last evaluated: 2019-11-06. Review status: no assertion criteria provided. Collection method: clinical testing. Allele origin: germline. Not counted in ClinVar's aggregate classification.
Comment: This variant is classified as benign based on ACMG/AMP sequence variant interpretation guidelines (Richards et al. 2015 PMID: 25741868, with internal and published modifications).